The following is an entry in ClinVar:

NM_006939.4(SOS2):c.2756C>T (p.Ser919Leu)

Gene: SOS2 (SOS Ras/Rho guanine nucleotide exchange factor 2; minus strand). Cytogenetic location: 14q21.3.
Variant type: single nucleotide variant.
Coding change: c.2756C>T on transcript NM_006939.4 (MANE Select); coding-DNA position 2756, C replaced by T.
Protein change: p.Ser919Leu; replaces serine 919 with leucine.
Molecular consequence: missense variant.
Genome position (GRCh38, 1-based): chr14:50,139,971, G>A on the plus strand (C>T on the coding strand, the complement: SOS2 is on the minus strand). VCF-style: chr14-50139971-G-A. GRCh37 (hg19) VCF-style: chr14-50606689-G-A.
Other names: c.2657C>T, p.Ser886Leu (NM_001411020.1); short protein forms S886L, S919L.
Identifiers: ClinVar variation 2721729 (VCV002721729.3), dbSNP rs2502885835, ClinGen allele CA389642657.

ClinVar aggregate classification (germline): Uncertain significance (1 of 4 stars; one submission).

Conditions:
Noonan syndrome 9 (NS9). Identifiers: Orphanet 648, MedGen C4225282, MONDO:0014691, OMIM 616559.

Allele frequency attached by ClinVar (database versions not stated): gnomAD exomes below 0.00001.
gnomAD v4.1: 1 of 1,593,124 alleles (0.000063%); highest among the groups gnomAD compares: Admixed American, 0.0017%; no homozygotes.

Submission:

Labcorp Genetics (formerly Invitae), Labcorp
Classification: Uncertain significance for Noonan syndrome 9. Last evaluated: 2023-06-21. Review status: criteria provided, single submitter. Criteria: Invitae Variant Classification Sherloc (09022015). Collection method: clinical testing. Allele origin: germline.
Comment: This variant is not present in population databases (gnomAD no frequency). In summary, the available evidence is currently insufficient to determine the role of this variant in disease. Therefore, it has been classified as a Variant of Uncertain Significance. Advanced modeling of protein sequence and biophysical properties (such as structural, functional, and spatial information, amino acid conservation, physicochemical variation, residue mobility, and thermodynamic stability) performed at Invitae indicates that this missense variant is expected to disrupt SOS2 protein function. This variant has not been reported in the literature in individuals affected with SOS2-related conditions. This sequence change replaces serine, which is neutral and polar, with leucine, which is neutral and non-polar, at codon 919 of the SOS2 protein (p.Ser919Leu).